The following is an entry in ClinVar:

ClinVar aggregate classification (germline): Uncertain significance (1 of 4 stars; one submission).

Conditions:
Chédiak-Higashi syndrome (CHS). Also called: Chediak-Higashi Syndrome. Identifiers: Orphanet 167, MedGen C0007965, MONDO:0008963, OMIM 214500.

Allele frequency attached by ClinVar (database versions not stated): gnomAD exomes below 0.00001; gnomAD 0.00001; ExAC 0.00002; TOPMed 0.00002.
gnomAD v4.1: 3 of 1,613,636 alleles (0.00019%); highest among the groups gnomAD compares: East Asian, 0.0067%; no homozygotes.

Submission:

Labcorp Genetics (formerly Invitae), Labcorp
Classification: Uncertain significance for Chédiak-Higashi syndrome. Last evaluated: 2021-08-28. Review status: criteria provided, single submitter. Criteria: Invitae Variant Classification Sherloc (09022015). Collection method: clinical testing. Allele origin: germline.
Comment: This sequence change replaces cysteine with serine at codon 1651 of the LYST protein (p.Cys1651Ser). The cysteine residue is moderately conserved and there is a moderate physicochemical difference between cysteine and serine. This variant is present in population databases (rs776329644, ExAC 0.04%). This variant has not been reported in the literature in individuals affected with LYST-related conditions. Algorithms developed to predict the effect of missense changes on protein structure and function output the following: SIFT: "Tolerated"; PolyPhen-2: "Benign"; Align-GVGD: "Class C0". The serine amino acid residue is found in multiple mammalian species, which suggests that this missense change does not adversely affect protein function. In summary, the available evidence is currently insufficient to determine the role of this variant in disease. Therefore, it has been classified as a Variant of Uncertain Significance.

NM_000081.4(LYST):c.4952G>C (p.Cys1651Ser)

Gene: LYST (lysosomal trafficking regulator; minus strand). Cytogenetic location: 1q42.3.
Variant type: single nucleotide variant.
Coding change: c.4952G>C on transcript NM_000081.4 (MANE Select); coding-DNA position 4952, G replaced by C.
Protein change: p.Cys1651Ser; replaces cysteine 1651 with serine.
Molecular consequence: missense variant.
Genome position (GRCh38, 1-based): chr1:235,781,998, C>G on the plus strand (G>C on the coding strand, the complement: LYST is on the minus strand). VCF-style: chr1-235781998-C-G. GRCh37 (hg19) VCF-style: chr1-235945298-C-G.
Other names: c.4952G>C, p.Cys1651Ser (NM_001301365.1); short protein forms C1651S.
Identifiers: ClinVar variation 2048693 (VCV002048693.1), dbSNP rs776329644, ClinGen allele CA1466726.